The following is an entry in ClinVar:

NM_000179.3(MSH6):c.3226C>A (p.Arg1076Ser)

Gene: MSH6 (mutS homolog 6; plus strand). Cytogenetic location: 2p16.3.
Variant type: single nucleotide variant.
Coding change: c.3226C>A on transcript NM_000179.3 (MANE Select); coding-DNA position 3226, C replaced by A.
Protein change: p.Arg1076Ser; replaces arginine 1076 with serine.
Molecular consequence: missense variant. On other transcripts: non-coding transcript variant (5), intron variant (1).
Genome position (GRCh38, 1-based): chr2:47,803,473, C>A. VCF-style: chr2-47803473-C-A. GRCh37 (hg19) VCF-style: chr2-48030612-C-A.
Other names: c.2836C>A, p.Arg946Ser (NM_001281492.2); c.2320C>A, p.Arg774Ser (NM_001281493.2, NM_001281494.2, NM_001406811.1 and 6 more transcripts); c.3322C>A, p.Arg1108Ser (NM_001406795.1, NM_001406802.1); c.3226C>A, p.Arg1076Ser (NM_001406796.1, NM_001406800.1, NM_001406808.1 and 1 more transcripts); c.2929C>A, p.Arg977Ser (NM_001406797.1, NM_001406801.1, NM_001406805.1 and 10 more transcripts); c.2701C>A, p.Arg901Ser (NM_001406799.1, NM_001406806.1, NM_001406807.1); c.2362C>A, p.Arg788Ser (NM_001406803.1); c.3148C>A, p.Arg1050Ser (NM_001406804.1); and 7 more; short protein forms R1108S, R25S, R1050S, R554S, R774S, R901S, R946S, R1078S.
Identifiers: ClinVar variation 2624904 (VCV002624904.5), dbSNP rs63750617, ClinGen allele CA346758022.

ClinVar aggregate classification (germline): Uncertain significance. Review status: criteria provided, multiple submitters, no conflicts (2 of 4 stars). 2 submissions from 2 submitters: Uncertain significance (2). Last evaluated 2025-07-22.

Conditions:
Hereditary cancer-predisposing syndrome. Also called: Tumor predisposition; Hereditary Cancer Syndrome; Hereditary neoplastic syndrome; Neoplastic Syndromes, Hereditary. Identifiers: Orphanet 140162, MedGen C0027672, MeSH D009386, MONDO:0015356.
Hereditary nonpolyposis colorectal neoplasms. Identifiers: MedGen C0009405, MeSH D003123.

gnomAD v4.1: 1 of 1,614,056 alleles (0.000062%); highest among the groups gnomAD compares: Non-Finnish European, 0.000085%; no homozygotes.

Submissions (2):

Ambry Genetics
Classification: Uncertain significance for Hereditary cancer-predisposing syndrome. Last evaluated: 2025-07-22. Review status: criteria provided, single submitter. Criteria: Ambry Variant Classification Scheme 2023. Collection method: clinical testing. Allele origin: germline.
Comment: The p.R1076S variant (also known as c.3226C>A), located in coding exon 5 of the MSH6 gene, results from a C to A substitution at nucleotide position 3226. The arginine at codon 1076 is replaced by serine, an amino acid with dissimilar properties. This amino acid position is highly conserved in available vertebrate species. In addition, this alteration is predicted to be deleterious by in silico analysis. Based on the available evidence, the clinical significance of this variant remains unclear.

Labcorp Genetics (formerly Invitae), Labcorp
Classification: Uncertain significance for Hereditary nonpolyposis colorectal neoplasms. Last evaluated: 2024-03-10. Review status: criteria provided, single submitter. Criteria: Invitae Variant Classification Sherloc (09022015). Collection method: clinical testing. Allele origin: germline.
Comment: This sequence change replaces arginine, which is basic and polar, with serine, which is neutral and polar, at codon 1076 of the MSH6 protein (p.Arg1076Ser). This variant is not present in population databases (gnomAD no frequency). This variant has not been reported in the literature in individuals affected with MSH6-related conditions. ClinVar contains an entry for this variant (Variation ID: 2624904). Advanced modeling of protein sequence and biophysical properties (such as structural, functional, and spatial information, amino acid conservation, physicochemical variation, residue mobility, and thermodynamic stability) has been performed at Invitae for this missense variant, however the output from this modeling did not meet the statistical confidence thresholds required to predict the impact of this variant on MSH6 protein function. This variant disrupts the p.Arg1076 amino acid residue in MSH6. Other variant(s) that disrupt this residue have been determined to be pathogenic (PMID: 15483016, 16418736, 16525781, 18409202, 18566915, 21039432). This suggests that this residue is clinically significant, and that variants that disrupt this residue are likely to be disease-causing. In summary, the available evidence is currently insufficient to determine the role of this variant in disease. Therefore, it has been classified as a Variant of Uncertain Significance.

Literature cited by the submitters: PubMed 15483016 (cited by Labcorp Genetics (formerly Invitae), Labcorp); PubMed 16418736 (cited by Labcorp Genetics (formerly Invitae), Labcorp); PubMed 16525781 (cited by Labcorp Genetics (formerly Invitae), Labcorp); PubMed 18409202 (cited by Labcorp Genetics (formerly Invitae), Labcorp); PubMed 18566915 (cited by Labcorp Genetics (formerly Invitae), Labcorp); PubMed 21039432 (cited by Labcorp Genetics (formerly Invitae), Labcorp).